The following is an entry in ClinVar:

ClinVar aggregate classification (germline): Benign (1 of 4 stars; one submission).

Allele frequency attached by ClinVar (database versions not stated): TOPMed 0.25483; gnomAD 0.27577 and 0.28334; 1000 Genomes Project 30x 0.28435; 1000 Genomes Project 0.29273.

Submission:

GeneDx
Classification: Benign. Last evaluated: 2018-11-12. Review status: criteria provided, single submitter. Criteria: GeneDx Variant Classification Process June 2021. Collection method: clinical testing. Allele origin: germline. Affected: yes.
Comment: This variant is associated with the following publications: (PMID: 22537748, 21672939, 22028838, 29372577, 25595174, 29985710, 23778030)

NC_000006.12:g.52186235G>A

Gene: IL17A (interleukin 17A; plus strand). Cytogenetic location: 6p12.2.
Variant type: single nucleotide variant.
Genome position: GRCh38 VCF-style: chr6-52186235-G-A. GRCh37 (hg19) VCF-style: chr6-52051033-G-A.
Identifiers: ClinVar variation 1278437 (VCV001278437.2), dbSNP rs2275913, ClinGen allele CA12194496.